The following is an entry in ClinVar:

NC_000015.9:g.(?_48729138)_(48730134_?)dup

Gene: FBN1 (fibrillin 1; minus strand). Cytogenetic location: 15q21.1.
Variant type: Duplication.
Identifiers: ClinVar variation 2422451 (VCV002422451.4).

ClinVar aggregate classification (germline): Uncertain significance (1 of 4 stars; one submission).

Conditions:
Marfan syndrome (MFS). Also called: MARFAN SYNDROME, TYPE I; FBN1-Related Marfan Syndrome; Marfan syndrome type 1; Marfan's syndrome; Marfan syndrome, classic. Identifiers: Orphanet 284963, Orphanet 558, MedGen C0024796, MONDO:0007947, OMIM 154700.
Familial thoracic aortic aneurysm and aortic dissection (TAAD). Also called: Thoracic aortic aneurysms and dissections. Identifiers: Orphanet 91387, MedGen C4707243, MONDO:0019625.

Submission:

Labcorp Genetics (formerly Invitae), Labcorp
Classification: Uncertain significance for Marfan syndrome; Familial thoracic aortic aneurysm and aortic dissection. Last evaluated: 2022-01-01. Review status: criteria provided, single submitter. Criteria: Invitae Variant Classification Sherloc (09022015). Collection method: clinical testing. Allele origin: germline.
Comment: In summary, the available evidence is currently insufficient to determine the role of this variant in disease. Therefore, it has been classified as a Variant of Uncertain Significance. Experimental studies and prediction algorithms are not available or were not evaluated, and the functional significance of this variant is currently unknown. A similar copy number variant has been observed in individual(s) with clinical features of FBN1-related conditions (Invitae). This variant results in a copy number gain of the genomic region encompassing exon(s) 51-53 of the FBN1 gene. While the exact position of this variant cannot be determined from the data, sub-genic copy number gains are generally in tandem (PMID: 25640679). This variant is predicted to be in-frame, and likely preserves the integrity of the reading frame.

Literature cited by the submitters: PubMed 25640679.